The following is an entry in ClinVar:

ClinVar aggregate classification (germline): Benign/Likely benign. Review status: criteria provided, multiple submitters, no conflicts (2 of 4 stars). 4 submissions from 4 submitters: Benign (1); Likely benign (3). Last evaluated 2024-07-29.

Conditions:
Familial cancer of breast. Also called: hereditary breast carcinoma; Hereditary breast cancer; BREAST CANCER, FAMILIAL. Identifiers: Orphanet 227535, MedGen C0346153, MONDO:0016419, OMIM 114480. Disease mechanism: loss of function.
Hereditary cancer-predisposing syndrome. Also called: Hereditary Cancer Syndrome; Hereditary neoplastic syndrome; Neoplastic Syndromes, Hereditary; Tumor predisposition. Identifiers: Orphanet 140162, MedGen C0027672, MeSH D009386, MONDO:0015356.

Allele frequency attached by ClinVar (database versions not stated): TOPMed below 0.00001.

Submissions (4):

Myriad Genetics, Inc.
Classification: Benign for Familial cancer of breast. Last evaluated: 2024-07-29. Review status: criteria provided, single submitter. Criteria: Myriad Autosomal Dominant, Autosomal Recessive and X-Linked Classification Criteria (2023). Collection method: clinical testing. Allele origin: unknown.
Comment: This variant is considered benign. This variant is a silent/synonymous amino acid change and it is not expected to impact splicing.

Labcorp Genetics (formerly Invitae), Labcorp
Classification: Likely benign for Familial cancer of breast. Last evaluated: 2023-10-05. Review status: criteria provided, single submitter. Criteria: Invitae Variant Classification Sherloc (09022015). Collection method: clinical testing. Allele origin: germline.

Ambry Genetics
Classification: Likely benign for Hereditary cancer-predisposing syndrome. Last evaluated: 2018-09-05. Review status: criteria provided, single submitter. Criteria: Ambry Variant Classification Scheme 2023. Collection method: clinical testing. Allele origin: germline.

GeneDx
Classification: Likely benign. Last evaluated: 2016-03-02. Review status: criteria provided, single submitter. Criteria: GeneDx Variant Classification (06012015). Collection method: clinical testing. Allele origin: germline. Affected: yes.
Comment: This variant is considered likely benign or benign based on one or more of the following criteria: it is a conservative change, it occurs at a poorly conserved position in the protein, it is predicted to be benign by multiple in silico algorithms, and/or has population frequency not consistent with disease.

NM_000465.4(BARD1):c.2097G>A (p.Gly699=)

Gene: BARD1 (BRCA1 associated RING domain 1; minus strand). Cytogenetic location: 2q35.
Variant type: single nucleotide variant.
Coding change: c.2097G>A on transcript NM_000465.4 (MANE Select); coding-DNA position 2097, G replaced by A.
Protein change: p.Gly699=; no amino-acid change (glycine 699 retained).
Molecular consequence: synonymous variant. On other transcripts: non-coding transcript variant (3).
Genome position (GRCh38, 1-based): chr2:214,728,913, C>T on the plus strand (G>A on the coding strand, the complement: BARD1 is on the minus strand). VCF-style: chr2-214728913-C-T. GRCh37 (hg19) VCF-style: chr2-215593637-C-T.
Other names: c.2040G>A, p.Gly680= (NM_001282543.2); c.744G>A, p.Gly248= (NM_001282545.2); c.687G>A, p.Gly229= (NM_001282548.2); c.558G>A, p.Gly186= (NM_001282549.2).
Identifiers: ClinVar variation 384461 (VCV000384461.15), dbSNP rs876659210, ClinGen allele CA16604043.